The following is an entry in ClinVar:

NM_005359.6(SMAD4):c.1352C>T (p.Ala451Val)

Gene: SMAD4 (SMAD family member 4; plus strand). Cytogenetic location: 18q21.2.
Variant type: single nucleotide variant.
Coding change: c.1352C>T on transcript NM_005359.6 (MANE Select); coding-DNA position 1352, C replaced by T.
Protein change: p.Ala451Val; replaces alanine 451 with valine.
Molecular consequence: missense variant.
Genome position (GRCh38, 1-based): chr18:51,076,681, C>T. VCF-style: chr18-51076681-C-T. GRCh37 (hg19) VCF-style: chr18-48603051-C-T.
Other names: short protein forms A451V.
Identifiers: ClinVar variation 639978 (VCV000639978.10), dbSNP rs1275841831, ClinGen allele CA402465202.

ClinVar aggregate classification (germline): Uncertain significance. Review status: criteria provided, multiple submitters, no conflicts (2 of 4 stars). 3 submissions from 3 submitters: Uncertain significance (3). Last evaluated 2025-04-21.

Conditions:
Hereditary cancer-predisposing syndrome. Also called: Hereditary neoplastic syndrome; Neoplastic Syndromes, Hereditary; Tumor predisposition; Hereditary Cancer Syndrome. Identifiers: Orphanet 140162, MedGen C0027672, MeSH D009386, MONDO:0015356.
Familial thoracic aortic aneurysm and aortic dissection (TAAD). Also called: Thoracic aortic aneurysms and dissections. Identifiers: Orphanet 91387, MedGen C4707243, MONDO:0019625.
Juvenile polyposis syndrome (JPS). Identifiers: Orphanet 2929, MedGen C0345893, MONDO:0017380, OMIM 174900.
Juvenile polyposis/hereditary hemorrhagic telangiectasia syndrome (JPHT). Also called: Juvenile Polyposis Syndrome / Hereditary Hemorrhagic Telangiectasia (JPS/HHT); JP/HHT SYNDROME; JUVENILE POLYPOSIS WITH HEREDITARY HEMORRHAGIC TELANGIECTASIA; POLYPOSIS, GENERALIZED JUVENILE, WITH PULMONARY ARTERIOVENOUS MALFORMATION; TELANGIECTASIA, HEREDITARY HEMORRHAGIC, WITH JUVENILE POLYPOSIS COLI. Identifiers: Orphanet 2929, MedGen C1832942, MONDO:0008278, OMIM 175050.

Allele frequency attached by ClinVar (database versions not stated): gnomAD exomes below 0.00001.
gnomAD v4.1: 4 of 1,613,392 alleles (0.00025%); highest among the groups gnomAD compares: Non-Finnish European, 0.00025%; no homozygotes.

Submissions (3):

Ambry Genetics
Classification: Uncertain significance for Hereditary cancer-predisposing syndrome; Familial thoracic aortic aneurysm and aortic dissection. Last evaluated: 2025-04-21. Review status: criteria provided, single submitter. Criteria: Ambry Variant Classification Scheme 2023. Collection method: clinical testing. Allele origin: germline.
Comment: The p.A451V variant (also known as c.1352C>T), located in coding exon 10 of the SMAD4 gene, results from a C to T substitution at nucleotide position 1352. The alanine at codon 451 is replaced by valine, an amino acid with similar properties. This amino acid position is highly conserved in available vertebrate species. In addition, the in silico prediction for this alteration is inconclusive. Based on the available evidence, the clinical significance of this alteration remains unclear.

All of Us Research Program, National Institutes of Health
Classification: Uncertain significance for Juvenile polyposis/hereditary hemorrhagic telangiectasia syndrome. Last evaluated: 2023-05-16. Review status: criteria provided, single submitter. Criteria: ACMG Guidelines, 2015. Collection method: clinical testing. Allele origin: germline. Inheritance: Autosomal dominant inheritance. Observed: 1 variant allele, 1 heterozygote.
Comment: This missense variant replaces alanine with valine at codon 451 of the SMAD4 protein. Computational prediction is inconclusive regarding the impact of this variant on protein structure and function (internally defined REVEL score threshold 0.5 < inconclusive < 0.7, PMID: 27666373). To our knowledge, functional studies have not been reported for this variant. This variant has not been reported in individuals affected with SMAD4-related disorders in the literature. This variant has been identified in 1/251150 chromosomes in the general population by the Genome Aggregation Database (gnomAD). The available evidence is insufficient to determine the role of this variant in disease conclusively. Therefore, this variant is classified as a Variant of Uncertain Significance.

This study involves interpretation of variants in research participants for the purpose of population health screening. Participant phenotype was not available at the time of variant classification. Additional details can be found in publication PMID: 35346344, PMCID: PMC8962531

Labcorp Genetics (formerly Invitae), Labcorp
Classification: Uncertain significance for Juvenile polyposis syndrome. Last evaluated: 2021-08-27. Review status: criteria provided, single submitter. Criteria: Invitae Variant Classification Sherloc (09022015). Collection method: clinical testing. Allele origin: germline.
Comment: This sequence change replaces alanine with valine at codon 451 of the SMAD4 protein (p.Ala451Val). The alanine residue is highly conserved and there is a small physicochemical difference between alanine and valine. This variant is not present in population databases (ExAC no frequency). This variant has not been reported in the literature in individuals affected with SMAD4-related conditions. Algorithms developed to predict the effect of missense changes on protein structure and function are either unavailable or do not agree on the potential impact of this missense change (SIFT: "Tolerated"; PolyPhen-2: "Probably Damaging"; Align-GVGD: "Class C0"). Algorithms developed to predict the effect of sequence changes on RNA splicing suggest that this variant may create or strengthen a splice site. In summary, the available evidence is currently insufficient to determine the role of this variant in disease. Therefore, it has been classified as a Variant of Uncertain Significance.